The following is an entry in ClinVar:

ClinVar aggregate classification (germline): Uncertain significance (1 of 4 stars; one submission).

Allele frequency attached by ClinVar (database versions not stated): gnomAD exomes below 0.00001; gnomAD 0.00001; ExAC 0.00002; TOPMed 0.00002; ESP Exome Variant Server 0.00008.

Submission:

Labcorp Genetics (formerly Invitae), Labcorp
Classification: Uncertain significance. Last evaluated: 2022-07-21. Review status: criteria provided, single submitter. Criteria: Invitae Variant Classification Sherloc (09022015). Collection method: clinical testing. Allele origin: germline.
Comment: Algorithms developed to predict the effect of missense changes on protein structure and function (SIFT, PolyPhen-2, Align-GVGD) all suggest that this variant is likely to be disruptive. This variant has not been reported in the literature in individuals affected with SYNPO-related conditions. The frequency data for this variant in the population databases is considered unreliable, as metrics indicate poor data quality at this position in the gnomAD database. This sequence change replaces serine, which is neutral and polar, with leucine, which is neutral and non-polar, at codon 589 of the SYNPO protein (p.Ser589Leu). In summary, the available evidence is currently insufficient to determine the role of this variant in disease. Therefore, it has been classified as a Variant of Uncertain Significance.

NM_007286.6(SYNPO):c.1766C>T (p.Ser589Leu)

Gene: SYNPO (synaptopodin; plus strand). Cytogenetic location: 5q33.1.
Variant type: single nucleotide variant.
Coding change: c.1766C>T on transcript NM_007286.6 (MANE Select); coding-DNA position 1766, C replaced by T.
Protein change: p.Ser589Leu; replaces serine 589 with leucine.
Molecular consequence: missense variant.
Genome position (GRCh38, 1-based): chr5:150,650,041, C>T. VCF-style: chr5-150650041-C-T. GRCh37 (hg19) VCF-style: chr5-150029603-C-T.
Other names: c.1766C>T, p.Ser589Leu (NM_001109974.3); c.2498C>T, p.Ser833Leu (NM_001166208.2, NM_001166209.2); short protein forms S589L, S833L.
Identifiers: ClinVar variation 1976606 (VCV001976606.5), dbSNP rs368497168, ClinGen allele CA3513481.